The following is an entry in ClinVar:

ClinVar aggregate classification (germline): Likely benign (1 of 4 stars; one submission).

Conditions:
TRPC5-related disorder. Also called: TRPC5-related condition.

gnomAD v4.1: 23 of 1,201,277 alleles (0.0019%); highest among the groups gnomAD compares: South Asian, 0.021%; no homozygotes.

Submission:

PreventionGenetics, part of Exact Sciences
Classification: Likely benign for TRPC5-related condition. Last evaluated: 2024-10-14. Review status: criteria provided, single submitter. Criteria: ACMG Guidelines, 2015. Collection method: clinical testing. Allele origin: germline.
Comment: This variant is classified as likely benign based on ACMG/AMP sequence variant interpretation guidelines (Richards et al. 2015 PMID: 25741868, with internal and published modifications).

NM_012471.3(TRPC5):c.423G>A (p.Pro141=)

Gene: TRPC5 (transient receptor potential cation channel subfamily C member 5; minus strand). Cytogenetic location: Xq23.
Variant type: single nucleotide variant.
Coding change: c.423G>A on transcript NM_012471.3 (MANE Select); coding-DNA position 423, G replaced by A.
Protein change: p.Pro141=; no amino-acid change (proline 141 retained).
Molecular consequence: synonymous variant.
Genome position (GRCh38, 1-based): chrX:111,912,768, C>T on the plus strand (G>A on the coding strand, the complement: TRPC5 is on the minus strand). VCF-style: chrX-111912768-C-T. GRCh37 (hg19) VCF-style: chrX-111155996-C-T.
Identifiers: ClinVar variation 4988252 (VCV004988252.1).